The following is an entry in ClinVar:

ClinVar aggregate classification (germline): Benign/Likely benign. Review status: criteria provided, multiple submitters, no conflicts (2 of 4 stars). 3 submissions from 3 submitters: Benign (1); Likely benign (2). Last evaluated 2026-02-05.

Conditions:
Hereditary cancer-predisposing syndrome. Also called: Hereditary Cancer Syndrome; Neoplastic Syndromes, Hereditary; Tumor predisposition; Hereditary neoplastic syndrome. Identifiers: Orphanet 140162, MedGen C0027672, MeSH D009386, MONDO:0015356.
Juvenile polyposis syndrome (JPS). Identifiers: Orphanet 2929, MedGen C0345893, MONDO:0017380, OMIM 174900.

Submissions (3):

Ambry Genetics
Classification: Likely benign for Hereditary cancer-predisposing syndrome. Last evaluated: 2026-02-05. Review status: criteria provided, single submitter. Criteria: Ambry Variant Classification Scheme 2023. Collection method: clinical testing. Allele origin: germline.

Myriad Genetics, Inc.
Classification: Benign for Juvenile polyposis syndrome. Last evaluated: 2024-08-08. Review status: criteria provided, single submitter. Criteria: Myriad Autosomal Dominant, Autosomal Recessive and X-Linked Classification Criteria (2023). Collection method: clinical testing. Allele origin: unknown.
Comment: This variant is considered benign. This variant is a silent/synonymous amino acid change and it is not expected to impact splicing.

Labcorp Genetics (formerly Invitae), Labcorp
Classification: Likely benign for Juvenile polyposis syndrome. Last evaluated: 2022-05-20. Review status: criteria provided, single submitter. Criteria: Invitae Variant Classification Sherloc (09022015). Collection method: clinical testing. Allele origin: germline.

NM_004329.3(BMPR1A):c.1485A>C (p.Ala495=)

Gene: BMPR1A (bone morphogenetic protein receptor type 1A; plus strand). Cytogenetic location: 10q23.2.
Variant type: single nucleotide variant.
Coding change: c.1485A>C on transcript NM_004329.3 (MANE Select); coding-DNA position 1485, A replaced by C.
Protein change: p.Ala495=; no amino-acid change (alanine 495 retained).
Molecular consequence: synonymous variant.
Genome position (GRCh38, 1-based): chr10:86,923,605, A>C. VCF-style: chr10-86923605-A-C. GRCh37 (hg19) VCF-style: chr10-88683362-A-C.
Other names: c.1485A>C (NM_004329.2).
Identifiers: ClinVar variation 1126679 (VCV001126679.11), dbSNP rs2133624106, ClinGen allele CA470308808.